The following is an entry in ClinVar:

NM_000138.5(FBN1):c.2273C>T (p.Ser758Leu)

Gene: FBN1 (fibrillin 1; minus strand). Cytogenetic location: 15q21.1.
Variant type: single nucleotide variant.
Coding change: c.2273C>T on transcript NM_000138.5 (MANE Select); coding-DNA position 2273, C replaced by T.
Protein change: p.Ser758Leu; replaces serine 758 with leucine.
Molecular consequence: missense variant.
Genome position (GRCh38, 1-based): chr15:48,497,286, G>A on the plus strand (C>T on the coding strand, the complement: FBN1 is on the minus strand). VCF-style: chr15-48497286-G-A. GRCh37 (hg19) VCF-style: chr15-48789483-G-A.
Other names: c.2273C>T, p.Ser758Leu (NM_001406716.1); short protein forms S758L.
Identifiers: ClinVar variation 4791944 (VCV004791944.1).

ClinVar aggregate classification (germline): Uncertain significance (1 of 4 stars; one submission).

Conditions:
Marfan syndrome (MFS). Also called: FBN1-Related Marfan Syndrome; MARFAN SYNDROME, TYPE I; Marfan syndrome type 1; Marfan's syndrome; Marfan syndrome, classic. Identifiers: Orphanet 284963, Orphanet 558, MedGen C0024796, MONDO:0007947, OMIM 154700.
Familial thoracic aortic aneurysm and aortic dissection (TAAD). Also called: Thoracic aortic aneurysms and dissections. Identifiers: Orphanet 91387, MedGen C4707243, MONDO:0019625.

Submission:

Labcorp Genetics (formerly Invitae), Labcorp
Classification: Uncertain significance for Marfan syndrome; Familial thoracic aortic aneurysm and aortic dissection. Last evaluated: 2025-08-10. Review status: criteria provided, single submitter. Criteria: Invitae Variant Classification Sherloc (09022015). Collection method: clinical testing. Allele origin: germline.
Comment: This sequence change replaces serine, which is neutral and polar, with leucine, which is neutral and non-polar, at codon 758 of the FBN1 protein (p.Ser758Leu). This variant is not present in population databases (gnomAD no frequency). This variant has not been reported in the literature in individuals affected with FBN1-related conditions. Invitae Evidence Modeling of protein sequence and biophysical properties (such as structural, functional, and spatial information, amino acid conservation, physicochemical variation, residue mobility, and thermodynamic stability) indicates that this missense variant is not expected to disrupt FBN1 protein function with a negative predictive value of 95%. In summary, the available evidence is currently insufficient to determine the role of this variant in disease. Therefore, it has been classified as a Variant of Uncertain Significance.